The following is an entry in ClinVar:

NM_130384.3(ATRIP):c.1348C>A (p.Pro450Thr)

Genes: ATRIP (ATR interacting protein; plus strand), ATRIP-TREX1 (ATRIP-TREX1 readthrough; plus strand). Cytogenetic location: 3p21.31.
Variant type: single nucleotide variant.
Coding change: c.1348C>A on transcript NM_130384.3 (MANE Select); coding-DNA position 1348, C replaced by A.
Protein change: p.Pro450Thr; replaces proline 450 with threonine.
Molecular consequence: missense variant. On other transcripts: non-coding transcript variant (1).
Genome position (GRCh38, 1-based): chr3:48,460,402, C>A. VCF-style: chr3-48460402-C-A. GRCh37 (hg19) VCF-style: chr3-48501801-C-A.
Other names: c.967C>A, p.Pro323Thr (NM_001271022.2); c.1069C>A, p.Pro357Thr (NM_001271023.2); c.1348C>A, p.Pro450Thr (NM_032166.4); short protein forms P323T, P357T, P450T.
Identifiers: ClinVar variation 4842184 (VCV004842184.1).

ClinVar aggregate classification (germline): Uncertain significance (1 of 4 stars; one submission).

Submission:

Ambry Genetics
Classification: Uncertain significance. Last evaluated: 2026-01-09. Review status: criteria provided, single submitter. Criteria: Ambry Variant Classification Scheme 2023. Collection method: clinical testing. Allele origin: germline.
Comment: The p.P450T variant (also known as c.1348C>A), located in coding exon 8 of the ATRIP gene, results from a C to A substitution at nucleotide position 1348. The proline at codon 450 is replaced by threonine, an amino acid with highly similar properties. This amino acid position is conserved. In addition, this alteration is predicted to be tolerated by in silico analysis. Based on the available evidence, the clinical significance of this variant remains unclear.